The following is an entry in ClinVar:

NM_001852.4(COL9A2):c.2061G>C (p.Lys687Asn)

Gene: COL9A2 (collagen type IX alpha 2 chain; minus strand). Cytogenetic location: 1p34.2.
Variant type: single nucleotide variant.
Coding change: c.2061G>C on transcript NM_001852.4 (MANE Select); coding-DNA position 2061, G replaced by C.
Protein change: p.Lys687Asn; replaces lysine 687 with asparagine.
Molecular consequence: missense variant.
Genome position (GRCh38, 1-based): chr1:40,301,191, C>G on the plus strand (G>C on the coding strand, the complement: COL9A2 is on the minus strand). VCF-style: chr1-40301191-C-G. GRCh37 (hg19) VCF-style: chr1-40766863-C-G.
Other names: short protein forms K687N.
Identifiers: ClinVar variation 2014436 (VCV002014436.4), dbSNP rs2522464156, ClinGen allele CA339873722.

ClinVar aggregate classification (germline): Uncertain significance (1 of 4 stars; one submission).

Submission:

Labcorp Genetics (formerly Invitae), Labcorp
Classification: Uncertain significance. Last evaluated: 2022-09-02. Review status: criteria provided, single submitter. Criteria: Invitae Variant Classification Sherloc (09022015). Collection method: clinical testing. Allele origin: germline.
Comment: In summary, the available evidence is currently insufficient to determine the role of this variant in disease. Therefore, it has been classified as a Variant of Uncertain Significance. Advanced modeling of protein sequence and biophysical properties (such as structural, functional, and spatial information, amino acid conservation, physicochemical variation, residue mobility, and thermodynamic stability) performed at Invitae indicates that this missense variant is not expected to disrupt COL9A2 protein function. This variant has not been reported in the literature in individuals affected with COL9A2-related conditions. This variant is not present in population databases (gnomAD no frequency). This sequence change replaces lysine, which is basic and polar, with asparagine, which is neutral and polar, at codon 687 of the COL9A2 protein (p.Lys687Asn).